The following is an entry in ClinVar:

ClinVar aggregate classification (germline): Likely benign (0 of 4 stars; one submission).

Conditions:
NEPRO-related disorder. Also called: NEPRO-related condition.

Allele frequency attached by ClinVar (database versions not stated): gnomAD 0.00001; gnomAD exomes 0.00001; TOPMed 0.00001; ExAC 0.00006.
gnomAD v4.1: 23 of 1,562,322 alleles (0.0015%); highest among the groups gnomAD compares: South Asian, 0.013%; no homozygotes.

Submission:

PreventionGenetics, part of Exact Sciences
Classification: Likely benign for NEPRO-related condition. Last evaluated: 2019-05-08. Review status: no assertion criteria provided. Collection method: clinical testing. Allele origin: germline.
Comment: This variant is classified as likely benign based on ACMG/AMP sequence variant interpretation guidelines (Richards et al. 2015 PMID: 25741868, with internal and published modifications).

NM_015412.4(RMP64):c.*5T>C

Gene: RMP64 (ribonuclease MRP subunit p64; minus strand). Cytogenetic location: 3q13.2.
Variant type: single nucleotide variant.
Coding change: c.*5T>C on transcript NM_015412.4 (MANE Select); 5 bases downstream of the stop codon, T replaced by C.
Molecular consequence: 3 prime UTR variant. On other transcripts: non-coding transcript variant (1).
Genome position (GRCh38, 1-based): chr3:113,005,531, A>G on the plus strand (T>C on the coding strand, the complement: RMP64 is on the minus strand). VCF-style: chr3-113005531-A-G. GRCh37 (hg19) VCF-style: chr3-112724378-A-G.
Other names: c.*5T>C (NM_001319109.2, NM_001319110.2, NM_001319111.2 and 3 more transcripts).
Identifiers: ClinVar variation 3042155 (VCV003042155.2), dbSNP rs770096223, ClinGen allele CA2541866.